The following is an entry in ClinVar:

NM_003128.3(SPTBN1):c.1840G>A (p.Ala614Thr)

Gene: SPTBN1 (spectrin beta, non-erythrocytic 1; plus strand). Cytogenetic location: 2p16.2.
Variant type: single nucleotide variant.
Coding change: c.1840G>A on transcript NM_003128.3 (MANE Select); coding-DNA position 1840, G replaced by A.
Protein change: p.Ala614Thr; replaces alanine 614 with threonine.
Molecular consequence: missense variant.
Genome position (GRCh38, 1-based): chr2:54,628,974, G>A. VCF-style: chr2-54628974-G-A. GRCh37 (hg19) VCF-style: chr2-54856111-G-A.
Other names: c.1801G>A, p.Ala601Thr (NM_178313.3); short protein forms A601T, A614T.
Identifiers: ClinVar variation 2167424 (VCV002167424.4), dbSNP rs2103921906, ClinGen allele CA346877253.

ClinVar aggregate classification (germline): Uncertain significance (1 of 4 stars; one submission).

Submission:

Labcorp Genetics (formerly Invitae), Labcorp
Classification: Uncertain significance. Last evaluated: 2022-07-19. Review status: criteria provided, single submitter. Criteria: Invitae Variant Classification Sherloc (09022015). Collection method: clinical testing. Allele origin: germline.
Comment: This variant is not present in population databases (gnomAD no frequency). In summary, the available evidence is currently insufficient to determine the role of this variant in disease. Therefore, it has been classified as a Variant of Uncertain Significance. Algorithms developed to predict the effect of missense changes on protein structure and function (SIFT, PolyPhen-2, Align-GVGD) all suggest that this variant is likely to be tolerated. This variant has not been reported in the literature in individuals affected with SPTBN1-related conditions. This sequence change replaces alanine, which is neutral and non-polar, with threonine, which is neutral and polar, at codon 614 of the SPTBN1 protein (p.Ala614Thr).